The following is an entry in ClinVar:

ClinVar aggregate classification (germline): Benign/Likely benign. Review status: criteria provided, multiple submitters, no conflicts (2 of 4 stars). 2 submissions from 2 submitters: Benign (1); Likely benign (1). Last evaluated 2023-07-01.

Conditions:
Noonan syndrome 9 (NS9). Identifiers: Orphanet 648, MedGen C4225282, MONDO:0014691, OMIM 616559.

Submissions (2):

CeGaT Center for Human Genetics Tuebingen
Classification: Likely benign. Last evaluated: 2023-07-01. Review status: criteria provided, single submitter. Criteria: CeGaT Center For Human Genetics Tuebingen Variant Classification Criteria Version 2. Collection method: clinical testing. Allele origin: germline. Affected: yes. Observed: 1 variant allele.
Comment: SOS2: BP4, BS1

Labcorp Genetics (formerly Invitae), Labcorp
Classification: Benign for Noonan syndrome 9. Last evaluated: 2019-11-27. Review status: criteria provided, single submitter. Criteria: Invitae Variant Classification Sherloc (09022015). Collection method: clinical testing. Allele origin: germline.

NM_006939.4(SOS2):c.859-4del

Gene: SOS2 (SOS Ras/Rho guanine nucleotide exchange factor 2; minus strand). Cytogenetic location: 14q21.3.
Variant type: Deletion.
Coding change: c.859-4del on transcript NM_006939.4 (MANE Select); 4 bases into the intron before coding-DNA position 859, one base deleted (A; older notation c.859-4delA).
Molecular consequence: intron variant.
Genome position (GRCh38, 1-based): chr14:50,180,686, T deleted on the plus strand (A on the coding strand, the reverse complement: SOS2 is on the minus strand); the first of 7 consecutive T bases (chr14:50,180,686-50,180,692); deleting any one gives the same sequence. VCF-style (leftmost placement, unchanged base first): chr14-50180685-AT-A. GRCh37 (hg19) VCF-style: chr14-50647403-AT-A.
Identifiers: ClinVar variation 1164582 (VCV001164582.33), dbSNP rs776327707, ClinGen allele CA7177423.
Genomic context (GRCh38, chr14:50,180,685, plus strand): 5'-GAAACTCTGGTGAAAGAATGTCCTGTGATAATGTTTCATAAGGATCAAATGCTTGCTCCT[AT>A]TTTTTTAAAAAGAGAAAAAGCATTAGGTTTAAAAGAATATATTTTCTACCAATATGGTAC-3'